The following is an entry in ClinVar:

ClinVar aggregate classification (germline): Uncertain significance. Review status: criteria provided, multiple submitters, no conflicts (2 of 4 stars). 3 submissions from 3 submitters: Uncertain significance (2). 1 of the submissions does not count toward it. Last evaluated 2019-07-16.

Conditions:
PLEC-related disorder. Also called: PLEC-related condition; PLEC-related disorders.
Epidermolysis bullosa simplex 5B, with muscular dystrophy (EBS5B). Also called: EPIDERMOLYSIS BULLOSA SIMPLEX AND LIMB-GIRDLE MUSCULAR DYSTROPHY; Epidermolysis bullosa simplex with muscular dystrophy. Identifiers: Orphanet 257, MedGen C2931072, MONDO:0009181, OMIM 226670.
Autosomal recessive limb-girdle muscular dystrophy type 2Q (LGMDR17). Also called: MUSCULAR DYSTROPHY, LIMB-GIRDLE, AUTOSOMAL RECESSIVE 17. Identifiers: Orphanet 254361, MedGen C3150989, MONDO:0013390, OMIM 613723.
Epidermolysis bullosa simplex 5C, with pyloric atresia (EBS5C). Also called: PLEC1-Related Epidermolysis Bullosa with Pyloric Atresia; PLEC-Related Epidermolysis Bullosa with Pyloric Atresia; Epidermolysis bullosa simplex with pyloric atresia. Identifiers: Orphanet 158684, MedGen C2677349, MONDO:0012807, OMIM 612138.
Epidermolysis bullosa simplex, Ogna type (EBS5A). Also called: Pidermolysis bullosa simplex 5A, Ogna type; EPIDERMOLYSIS BULLOSA SIMPLEX 5A, OGNA TYPE. Identifiers: Orphanet 79401, MedGen C0432317, MONDO:0007555, OMIM 131950.

Allele frequency attached by ClinVar (database versions not stated): gnomAD exomes below 0.00001 and 0.00001; gnomAD 0.00001.
gnomAD v4.1: 4 of 1,591,400 alleles (0.00025%); highest among the groups gnomAD compares: Non-Finnish European, 0.00034%; no homozygotes.

Submissions (3):

Revvity Omics, Revvity
Classification: Uncertain significance. Last evaluated: 2019-07-16. Review status: criteria provided, single submitter. Criteria: ACMG Guidelines, 2015. Collection method: clinical testing. Allele origin: germline.

Eurofins Ntd Llc (ga)
Classification: Uncertain significance. Last evaluated: 2015-12-18. Review status: criteria provided, single submitter. Criteria: EGL Classification Definitions 2015. Collection method: clinical testing. Allele origin: germline. Observed: 1 variant allele, 1 heterozygote.

PreventionGenetics, part of Exact Sciences
Classification: Uncertain significance for PLEC-related condition. Last evaluated: 2024-08-31. Review status: no assertion criteria provided. Collection method: clinical testing. Allele origin: germline. Not counted in ClinVar's aggregate classification.
Comment: The PLEC c.6062T>C variant is predicted to result in the amino acid substitution p.Leu2021Pro. To our knowledge, this variant has not been reported in the literature. This variant is reported in 0.0021% of alleles in individuals of European (Non-Finnish) descent in gnomAD. At this time, the clinical significance of this variant is uncertain due to the absence of conclusive functional and genetic evidence.

NM_201384.3(PLEC):c.5981T>C (p.Leu1994Pro)

Gene: PLEC (plectin; minus strand). Cytogenetic location: 8q24.3.
Variant type: single nucleotide variant.
Coding change: c.5981T>C on transcript NM_201384.3 (MANE Select); coding-DNA position 5981, T replaced by C.
Protein change: p.Leu1994Pro; replaces leucine 1994 with proline.
Molecular consequence: missense variant.
Genome position (GRCh38, 1-based): chr8:143,923,948, A>G on the plus strand (T>C on the coding strand, the complement: PLEC is on the minus strand). VCF-style: chr8-143923948-A-G. GRCh37 (hg19) VCF-style: chr8-144998116-A-G.
Other names: c.6062T>C (NM_000445.3); c.6062T>C, p.Leu2021Pro (NM_000445.5); c.5939T>C, p.Leu1980Pro (NM_201378.4); c.5915T>C, p.Leu1972Pro (NM_201379.3); c.6392T>C, p.Leu2131Pro (NM_201380.4); c.5885T>C, p.Leu1962Pro (NM_201381.3); c.5981T>C, p.Leu1994Pro (NM_201382.4); c.5993T>C, p.Leu1998Pro (NM_201383.3); short protein forms L2021P, L1994P, L2131P, L1972P, L1980P, L1998P, L1962P.
Identifiers: ClinVar variation 281271 (VCV000281271.10), dbSNP rs886044775, ClinGen allele CA10603831.